The following is an entry in ClinVar:

NM_144498.4(OSBPL2):c.195G>A (p.Pro65=)

Gene: OSBPL2 (oxysterol binding protein like 2; plus strand). Cytogenetic location: 20q13.33.
Variant type: single nucleotide variant.
Coding change: c.195G>A on transcript NM_144498.4 (MANE Select); coding-DNA position 195, G replaced by A.
Protein change: p.Pro65=; no amino-acid change (proline 65 retained).
Molecular consequence: synonymous variant. On other transcripts: 5 prime UTR variant (2).
Genome position (GRCh38, 1-based): chr20:62,263,628, G>A. VCF-style: chr20-62263628-G-A. GRCh37 (hg19) VCF-style: chr20-60838684-G-A.
Other names: c.-172G>A (NM_001278649.3, NM_001363878.2); c.159G>A, p.Pro53= (NM_014835.5).
Identifiers: ClinVar variation 2892345 (VCV002892345.25), dbSNP rs148250350, ClinGen allele CA9938379.
Genomic context (GRCh38, chr20:62,263,628, plus strand): 5'-GAGTCCTGTGTTGAATTCACCCACACGCACCCCTTTTGTGCTTCGCAGGACATCGCTGCC[G>A]GCTCCCATGTTCAGCAGAAGCGACTTCAGCGTGTGGACCATCCTGAAGAAGTGTGTTGGC-3'
Protein context (NP_653081.1, residues 55-75): NGIQKHRTSL[Pro65=]APMFSRSDFS

ClinVar aggregate classification (germline): Likely benign. Review status: criteria provided, multiple submitters, no conflicts (2 of 4 stars). 3 submissions from 3 submitters: Likely benign (3). Last evaluated 2025-03-17.

Allele frequency attached by ClinVar (database versions not stated): ExAC 0.00008; gnomAD 0.00011; gnomAD exomes 0.00011; TOPMed 0.00012; ESP Exome Variant Server 0.00023.
gnomAD v4.1: 167 of 1,613,986 alleles (0.01%); highest among the groups gnomAD compares: African/African-American, 0.037%; no homozygotes.

Submissions (3):

Labcorp Genetics (formerly Invitae), Labcorp
Classification: Likely benign. Last evaluated: 2025-03-17. Review status: criteria provided, single submitter. Criteria: Invitae Variant Classification Sherloc (09022015). Collection method: clinical testing. Allele origin: germline.

CeGaT Center for Human Genetics Tuebingen
Classification: Likely benign. Last evaluated: 2024-03-01. Review status: criteria provided, single submitter. Criteria: CeGaT Center For Human Genetics Tuebingen Variant Classification Criteria Version 2. Collection method: clinical testing. Allele origin: germline. Affected: yes. Observed: 1 variant allele.
Comment: OSBPL2: BP4, BP7

Blueprint Genetics
Classification: Likely benign. Last evaluated: 2023-06-07. Review status: criteria provided, single submitter. Criteria: ACMG Guidelines, 2015. Collection method: clinical testing. Allele origin: germline.